The following is an entry in ClinVar:

ClinVar aggregate classification (germline): Uncertain significance (1 of 4 stars; one submission).

Conditions:
Hereditary pancreatitis (PCTT). Also called: Hereditary chronic pancreatitis; PRSS1-Related Hereditary Pancreatitis. Identifiers: Orphanet 676, MedGen C0238339, MONDO:0008185, OMIM 167800.

Submission:

Ambry Genetics
Classification: Uncertain significance for Hereditary pancreatitis. Last evaluated: 2023-10-10. Review status: criteria provided, single submitter. Criteria: Ambry Variant Classification Scheme 2023. Collection method: clinical testing. Allele origin: germline.
Comment: The p.L118F variant (also known as c.354G>T), located in coding exon 4 of the CTRC gene, results from a G to T substitution at nucleotide position 354. The leucine at codon 118 is replaced by phenylalanine, an amino acid with highly similar properties. This amino acid position is conserved. In addition, this alteration is predicted to be tolerated by in silico analysis. Since supporting evidence is limited at this time, the clinical significance of this alteration remains unclear.

NM_007272.3(CTRC):c.354G>T (p.Leu118Phe)

Gene: CTRC (chymotrypsin C; plus strand). Cytogenetic location: 1p36.21.
Variant type: single nucleotide variant.
Coding change: c.354G>T on transcript NM_007272.3 (MANE Select); coding-DNA position 354, G replaced by T.
Protein change: p.Leu118Phe; replaces leucine 118 with phenylalanine.
Molecular consequence: missense variant.
Genome position (GRCh38, 1-based): chr1:15,442,570, G>T. VCF-style: chr1-15442570-G-T. GRCh37 (hg19) VCF-style: chr1-15769066-G-T.
Other names: short protein forms L118F.
Identifiers: ClinVar variation 3226068 (VCV003226068.1), dbSNP rs2526294826, ClinGen allele CA338565763.
Genomic context (GRCh38, chr1:15,442,570, plus strand): 5'-ATCCCTGTTTGTGGGTGTGGACACCATCCACGTCCACAAGAGATGGAATGCCCTCCTGTT[G>T]CGGTGAGTGACAGACTGCCCATCCCACAGCCACTGGGGGCAGTGTGGAAGGAGGGGTCCC-3'
Protein context (NP_009203.2, residues 108-128): HVHKRWNALL[Leu118Phe]RNDIALIKLA